The following is an entry in ClinVar:

NM_020988.3(GNAO1):c.115C>T (p.Leu39Phe)

Gene: GNAO1 (G protein subunit alpha o1; plus strand). Cytogenetic location: 16q13.
Variant type: single nucleotide variant.
Coding change: c.115C>T on transcript NM_020988.3 (MANE Select); coding-DNA position 115, C replaced by T.
Protein change: p.Leu39Phe; replaces leucine 39 with phenylalanine.
Molecular consequence: missense variant.
Genome position (GRCh38, 1-based): chr16:56,192,350, C>T. VCF-style: chr16-56192350-C-T. GRCh37 (hg19) VCF-style: chr16-56226262-C-T.
Other names: c.115C>T, p.Leu39Phe (NM_138736.3); short protein forms L39F.
Identifiers: ClinVar variation 1690704 (VCV001690704.2), dbSNP rs2143270534, ClinGen allele CA396128548.
Genomic context (GRCh38, chr16:56,192,350, plus strand): 5'-ATTGAGAAAAACCTCAAAGAGGATGGCATCAGCGCCGCCAAAGACGTGAAATTACTCCTG[C>T]TCGGTAAGGACCGCCGCTGCTACCCCCATCCCCCGACCCCGGCCACTCCGCACCCCCTGC-3'
Protein context (NP_066268.1, residues 29-49): SAAKDVKLLL[Leu39Phe]GAGESGKSTI

ClinVar aggregate classification (germline): Uncertain significance (1 of 4 stars; one submission).

Submission:

Laboratorio de Genetica e Diagnostico Molecular, Hospital Israelita Albert Einstein
Classification: Uncertain significance. Last evaluated: 2019-10-10. Review status: criteria provided, single submitter. Criteria: ACMG Guidelines, 2015. Collection method: clinical testing. Allele origin: germline. Affected: yes.
Comment: ACMG classification criteria: PM2, PP2, PP3